The following is an entry in ClinVar:

ClinVar aggregate classification (germline): Uncertain significance (1 of 4 stars; one submission).

gnomAD v4.1: 1 of 1,611,706 alleles (0.000062%); highest among the groups gnomAD compares: Non-Finnish European, 0.000085%; no homozygotes.

Submission:

Labcorp Genetics (formerly Invitae), Labcorp
Classification: Uncertain significance. Last evaluated: 2025-11-27. Review status: criteria provided, single submitter. Criteria: Invitae Variant Classification Sherloc (09022015). Collection method: clinical testing. Allele origin: germline.
Comment: This sequence change replaces isoleucine, which is neutral and non-polar, with threonine, which is neutral and polar, at codon 897 of the DMXL2 protein (p.Ile897Thr). This variant is not present in population databases (gnomAD no frequency). This variant has not been reported in the literature in individuals affected with DMXL2-related conditions. An algorithm developed to predict the effect of missense changes on protein structure and function (PolyPhen-2) suggests that this variant is likely to be disruptive. In summary, the available evidence is currently insufficient to determine the role of this variant in disease. Therefore, it has been classified as a Variant of Uncertain Significance.

NM_001378457.1(DMXL2):c.2690T>C (p.Ile897Thr)

Gene: DMXL2 (Dmx like 2; minus strand). Cytogenetic location: 15q21.2.
Variant type: single nucleotide variant.
Coding change: c.2690T>C on transcript NM_001378457.1 (MANE Select); coding-DNA position 2690, T replaced by C.
Protein change: p.Ile897Thr; replaces isoleucine 897 with threonine.
Molecular consequence: missense variant. On other transcripts: non-coding transcript variant (2).
Genome position (GRCh38, 1-based): chr15:51,507,208, A>G on the plus strand (T>C on the coding strand, the complement: DMXL2 is on the minus strand). VCF-style: chr15-51507208-A-G. GRCh37 (hg19) VCF-style: chr15-51799405-A-G.
Other names: c.2690T>C, p.Ile897Thr (NM_001174116.3, NM_001174117.3, NM_001378458.1 and 6 more transcripts); c.2450T>C, p.Ile817Thr (NM_001378464.1); short protein forms I817T, I897T.
Identifiers: ClinVar variation 4805402 (VCV004805402.1).